The following is an entry in ClinVar:

ClinVar aggregate classification (germline): Uncertain significance (1 of 4 stars; one submission).

Conditions:
KBG syndrome (KBGS). Also called: ANKRD11-Related KBG Syndrome. Identifiers: Orphanet 2332, MedGen C0220687, MONDO:0007846, OMIM 148050.

gnomAD v4.1: 26 of 1,602,540 alleles (0.0016%); highest among the groups gnomAD compares: Middle Eastern, 0.035%; no homozygotes.

Submission:

Labcorp Genetics (formerly Invitae), Labcorp
Classification: Uncertain significance for KBG syndrome. Last evaluated: 2022-05-03. Review status: criteria provided, single submitter. Criteria: Invitae Variant Classification Sherloc (09022015). Collection method: clinical testing. Allele origin: germline.
Comment: In summary, the available evidence is currently insufficient to determine the role of this variant in disease. Therefore, it has been classified as a Variant of Uncertain Significance. Advanced modeling of protein sequence and biophysical properties (such as structural, functional, and spatial information, amino acid conservation, physicochemical variation, residue mobility, and thermodynamic stability) performed at Invitae indicates that this missense variant is not expected to disrupt ANKRD11 protein function. This variant has not been reported in the literature in individuals affected with ANKRD11-related conditions. This variant is present in population databases (rs60520302, gnomAD 0.007%). This sequence change replaces alanine, which is neutral and non-polar, with threonine, which is neutral and polar, at codon 2023 of the ANKRD11 protein (p.Ala2023Thr).

NM_013275.6(ANKRD11):c.6067G>A (p.Ala2023Thr)

Gene: ANKRD11 (ankyrin repeat domain 11; minus strand). Cytogenetic location: 16q24.3.
Variant type: single nucleotide variant.
Coding change: c.6067G>A on transcript NM_013275.6 (MANE Select); coding-DNA position 6067, G replaced by A.
Protein change: p.Ala2023Thr; replaces alanine 2023 with threonine.
Molecular consequence: missense variant.
Genome position (GRCh38, 1-based): chr16:89,280,475, C>T on the plus strand (G>A on the coding strand, the complement: ANKRD11 is on the minus strand). VCF-style: chr16-89280475-C-T. GRCh37 (hg19) VCF-style: chr16-89346883-C-T.
Other names: c.6067G>A, p.Ala2023Thr (NM_001256182.2, NM_001256183.2); short protein forms A2023T.
Identifiers: ClinVar variation 1991283 (VCV001991283.4), dbSNP rs60520302, ClinGen allele CA8241614.